The following is an entry in ClinVar:

NM_004568.6(SERPINB6):c.-3A>G

Gene: SERPINB6 (serpin family B member 6; minus strand). Cytogenetic location: 6p25.2.
Variant type: single nucleotide variant.
Coding change: c.-3A>G on transcript NM_004568.6 (MANE Select); 3 bases upstream of the start codon, A replaced by G.
Molecular consequence: 5 prime UTR variant. On other transcripts: missense variant (4), non-coding transcript variant (1), intron variant (1).
Genome position (GRCh38, 1-based): chr6:2,959,335, T>C on the plus strand (A>G on the coding strand, the complement: SERPINB6 is on the minus strand). VCF-style: chr6-2959335-T-C. GRCh37 (hg19) VCF-style: chr6-2959569-T-C.
Other names: c.10A>G, p.Ile4Val (NM_001195291.3, NM_001374515.1); c.40A>G, p.Ile14Val (NM_001271822.2); c.55A>G, p.Ile19Val (NM_001271823.2); c.-3A>G (NM_001271824.2, NM_001271825.2, NM_001297699.2 and 2 more transcripts); c.34-3665A>G (NM_001374517.1); short protein forms I4V, I14V, I19V.
Identifiers: ClinVar variation 229242 (VCV000229242.5), dbSNP rs779093042, ClinGen allele CA3617679.

ClinVar aggregate classification (germline): Uncertain significance (1 of 4 stars; one submission).

Allele frequency attached by ClinVar (database versions not stated): gnomAD exomes below 0.00001; ExAC 0.00001.
gnomAD v4.1: 29 of 1,614,026 alleles (0.0018%); highest among the groups gnomAD compares: Non-Finnish European, 0.0025%; no homozygotes.

Submission:

Laboratory for Molecular Medicine, Mass General Brigham Personalized Medicine
Classification: Uncertain significance. Last evaluated: 2015-10-04. Review status: criteria provided, single submitter. Criteria: LMM Criteria. Collection method: clinical testing. Allele origin: germline. Observed: 1 variant allele.
Comment: Variant classified as Uncertain Significance - Favor Benign. The c.-3A>G variant in SERPINB6 has not been previously reported in individuals with hearing loss, but has been identified in 1/66614 of European chromosomes by the Exome Aggregat ion Consortium (ExAC). The variant is located in the initiator sequence of the 5?untranslated region (5'UTR) and variants in thi s region could have an effect on transcriptional or translational regulation. Ho wever, this nucleotide position is not conserved across species with several mam mals and distant species having a guanine (G) at this position, suggesting that this variant may be tolerated. Please note that this variant leads to a missense variant (p.Ile4Val, p.Ile14Val, or p.Ile19Val) in three different transcript is oforms of the SERPINB6. Computational and conservation data suggest this missens e change in the transcript isoforms would not impact the protein, however this i nformation is not sufficient to rule out pathogenicity. In summary, while the cl inical significance of the c.-3A>G variant is uncertain, these data suggest that it is more likely to be benign.